The following is an entry in ClinVar:

NM_024408.4(NOTCH2):c.1613G>A (p.Ser538Asn)

Gene: NOTCH2 (notch receptor 2; minus strand). Cytogenetic location: 1p12.
Variant type: single nucleotide variant.
Coding change: c.1613G>A on transcript NM_024408.4 (MANE Select); coding-DNA position 1613, G replaced by A.
Protein change: p.Ser538Asn; replaces serine 538 with asparagine.
Molecular consequence: missense variant.
Genome position (GRCh38, 1-based): chr1:119,965,521, C>T on the plus strand (G>A on the coding strand, the complement: NOTCH2 is on the minus strand). VCF-style: chr1-119965521-C-T. GRCh37 (hg19) VCF-style: chr1-120508144-C-T.
Other names: c.1613G>A, p.Ser538Asn (NM_001200001.2); short protein forms S538N.
Identifiers: ClinVar variation 3686872 (VCV003686872.2).

ClinVar aggregate classification (germline): Uncertain significance (1 of 4 stars; one submission).

Conditions:
Hajdu-Cheney syndrome (HJCYS). Also called: SERPENTINE FIBULA-POLYCYSTIC KIDNEY SYNDROME; Acroosteolysis dominant type; ACROOSTEOLYSIS WITH OSTEOPOROSIS AND CHANGES IN SKULL AND MANDIBLE. Identifiers: Orphanet 955, MedGen C0917715, MONDO:0007057, OMIM 102500.

gnomAD v4.1: 2 of 1,614,040 alleles (0.00012%); highest among the groups gnomAD compares: South Asian, 0.0011%; no homozygotes.

Submission:

Labcorp Genetics (formerly Invitae), Labcorp
Classification: Uncertain significance for Hajdu-Cheney syndrome. Last evaluated: 2024-08-19. Review status: criteria provided, single submitter. Criteria: Invitae Variant Classification Sherloc (09022015). Collection method: clinical testing. Allele origin: germline.
Comment: This sequence change replaces serine, which is neutral and polar, with asparagine, which is neutral and polar, at codon 538 of the NOTCH2 protein (p.Ser538Asn). This variant is not present in population databases (gnomAD no frequency). This variant has not been reported in the literature in individuals affected with NOTCH2-related conditions. An algorithm developed to predict the effect of missense changes on protein structure and function (PolyPhen-2) suggests that this variant is likely to be disruptive. In summary, the available evidence is currently insufficient to determine the role of this variant in disease. Therefore, it has been classified as a Variant of Uncertain Significance.